The following is an entry in ClinVar:

NM_001130987.2(DYSF):c.1932G>A (p.Met644Ile)

Gene: DYSF (dysferlin; plus strand). Cytogenetic location: 2p13.2.
Variant type: single nucleotide variant.
Coding change: c.1932G>A on transcript NM_001130987.2 (MANE Select); coding-DNA position 1932, G replaced by A.
Protein change: p.Met644Ile; replaces methionine 644 with isoleucine.
Molecular consequence: missense variant.
Genome position (GRCh38, 1-based): chr2:71,553,136, G>A. VCF-style: chr2-71553136-G-A. GRCh37 (hg19) VCF-style: chr2-71780266-G-A.
Other names: c.1881G>A, p.Met627Ile (NM_001130455.2, NM_001130983.2); c.1836G>A, p.Met612Ile (NM_001130976.2, NM_001130977.2); c.1878G>A, p.Met626Ile (NM_001130978.2, NM_003494.4); c.1971G>A, p.Met657Ile (NM_001130979.2); c.1929G>A, p.Met643Ile (NM_001130980.2, NM_001130981.2); c.1974G>A, p.Met658Ile (NM_001130982.2); c.1839G>A, p.Met613Ile (NM_001130984.2, NM_001130986.2); c.1932G>A, p.Met644Ile (NM_001130985.2); short protein forms M613I, M627I, M657I, M658I, M612I, M626I, M643I, M644I.
Identifiers: ClinVar variation 959188 (VCV000959188.13), dbSNP rs1299723799, ClinGen allele CA347218667.

ClinVar aggregate classification (germline): Uncertain significance. Review status: criteria provided, multiple submitters, no conflicts (2 of 4 stars). 4 submissions from 4 submitters: Uncertain significance (3). 1 of the submissions does not count toward it. Last evaluated 2026-02-01.

Conditions:
Neuromuscular disease caused by qualitative or quantitative defects of dysferlin. Also called: Qualitative or quantitative defects of dysferlin; Dysferlinopathy. Identifiers: Orphanet 207073, MedGen C2931687, MONDO:0016145.
Autosomal recessive limb-girdle muscular dystrophy type 2B (LGMDR2). Also called: MUSCULAR DYSTROPHY, LIMB-GIRDLE, AUTOSOMAL RECESSIVE 2; Limb-girdle muscular dystrophy, type 2B; Limb-Girdle Muscular Dystrophy Type 2B (LGMD2B); MUSCULAR DYSTROPHY, LIMB-GIRDLE, TYPE 3. Identifiers: Orphanet 268, MedGen C1850889, MONDO:0009676, OMIM 253601.

Allele frequency attached by ClinVar (database versions not stated): gnomAD exomes below 0.00001; gnomAD 0.00001.
gnomAD v4.1: 1 of 1,613,950 alleles (0.000062%); highest among the groups gnomAD compares: Non-Finnish European, 0.000085%; no homozygotes.

Submissions (4):

CeGaT Center for Human Genetics Tuebingen
Classification: Uncertain significance. Last evaluated: 2026-02-01. Review status: criteria provided, single submitter. Criteria: CeGaT Center For Human Genetics Tuebingen Variant Classification Criteria Version 2. Collection method: clinical testing. Allele origin: germline. Affected: yes. Observed: 1 variant allele.
Comment: DYSF: PM2, BP4

GeneDx
Classification: Uncertain significance. Last evaluated: 2023-04-19. Review status: criteria provided, single submitter. Criteria: GeneDx Variant Classification Process June 2021. Collection method: clinical testing. Allele origin: germline. Affected: yes.
Comment: Not observed at significant frequency in large population cohorts (gnomAD); In silico analysis supports that this missense variant does not alter protein structure/function; Has not been previously published as pathogenic or benign to our knowledge; This variant is associated with the following publications: (PMID: 29245897)

Labcorp Genetics (formerly Invitae), Labcorp
Classification: Uncertain significance for Neuromuscular disease caused by qualitative or quantitative defects of dysferlin. Last evaluated: 2021-09-01. Review status: criteria provided, single submitter. Criteria: Invitae Variant Classification Sherloc (09022015). Collection method: clinical testing. Allele origin: germline.
Comment: This sequence change replaces methionine with isoleucine at codon 626 of the DYSF protein (p.Met626Ile). The methionine residue is weakly conserved and there is a small physicochemical difference between methionine and isoleucine. This variant is not present in population databases (ExAC no frequency). This variant has not been reported in the literature in individuals affected with DYSF-related conditions. Algorithms developed to predict the effect of missense changes on protein structure and function (SIFT, PolyPhen-2, Align-GVGD) all suggest that this variant is likely to be tolerated. In summary, the available evidence is currently insufficient to determine the role of this variant in disease. Therefore, it has been classified as a Variant of Uncertain Significance.

Natera, Inc.
Classification: Uncertain significance for Limb-girdle muscular dystrophy type 2B. Last evaluated: 2020-10-06. Review status: no assertion criteria provided. Collection method: clinical testing. Allele origin: germline. Not counted in ClinVar's aggregate classification.